The following is an entry in ClinVar:

NM_001160148.2(DDHD1):c.163C>G (p.Pro55Ala)

Gene: DDHD1 (DDHD domain containing 1; minus strand). Cytogenetic location: 14q22.1.
Variant type: single nucleotide variant.
Coding change: c.163C>G on transcript NM_001160148.2 (MANE Select); coding-DNA position 163, C replaced by G.
Protein change: p.Pro55Ala; replaces proline 55 with alanine.
Molecular consequence: missense variant.
Genome position (GRCh38, 1-based): chr14:53,152,936, G>C on the plus strand (C>G on the coding strand, the complement: DDHD1 is on the minus strand). VCF-style: chr14-53152936-G-C. GRCh37 (hg19) VCF-style: chr14-53619654-G-C.
Other names: c.163C>G, p.Pro55Ala (NM_001160147.2, NM_030637.3); short protein forms P55A.
Identifiers: ClinVar variation 1413581 (VCV001413581.6), dbSNP rs1891566193, ClinGen allele CA389781571.
Genomic context (GRCh38, chr14:53,152,936, plus strand): 5'-TGTGGTCGTCGGTGCCCGGCGCCAAATGCAGCCCGGGTTCCCCGCGCAGCAGGGCCAGGG[G>C]CACGTCGCCGTCGTCCGGGTCCCCGCCGGGCAGGTGCTCGAAGCAGCAGACGCCGCCGCC-3'
Protein context (NP_001153620.1, residues 45-65): PGGDPDDGDV[Pro55Ala]LALLRGEPGL

ClinVar aggregate classification (germline): Uncertain significance (1 of 4 stars; one submission).

Conditions:
Hereditary spastic paraplegia 28. Also called: Spastic paraplegia 28, autosomal recessive. Identifiers: Orphanet 101008, MedGen C1836295, MONDO:0012256, OMIM 609340.

Submission:

Labcorp Genetics (formerly Invitae), Labcorp
Classification: Uncertain significance for Hereditary spastic paraplegia 28. Last evaluated: 2021-08-05. Review status: criteria provided, single submitter. Criteria: Invitae Variant Classification Sherloc (09022015). Collection method: clinical testing. Allele origin: germline.
Comment: This sequence change replaces proline with alanine at codon 55 of the DDHD1 protein (p.Pro55Ala). The proline residue is weakly conserved and there is a small physicochemical difference between proline and alanine. This variant is not present in population databases (ExAC no frequency). This variant has not been reported in the literature in individuals affected with DDHD1-related conditions. Algorithms developed to predict the effect of missense changes on protein structure and function (SIFT, PolyPhen-2, Align-GVGD) all suggest that this variant is likely to be tolerated. In summary, the available evidence is currently insufficient to determine the role of this variant in disease. Therefore, it has been classified as a Variant of Uncertain Significance.